The following is an entry in ClinVar:

ClinVar aggregate classification (germline): Uncertain significance. Review status: criteria provided, multiple submitters, no conflicts (2 of 4 stars). 3 submissions from 3 submitters: Uncertain significance (3). Last evaluated 2024-02-24.

Conditions:
Classic or attenuated familial adenomatous polyposis. Identifiers: MedGen CN372698, MONDO:0021057.
Hereditary cancer-predisposing syndrome. Also called: Tumor predisposition; Neoplastic Syndromes, Hereditary; Hereditary neoplastic syndrome; Hereditary Cancer Syndrome. Identifiers: Orphanet 140162, MedGen C0027672, MeSH D009386, MONDO:0015356.
Familial adenomatous polyposis 1 (FAP1). Also called: POLYPOSIS, ADENOMATOUS INTESTINAL; FAMILIAL ADENOMATOUS POLYPOSIS 1, ATTENUATED. Identifiers: MedGen C2713442, MONDO:0021056, OMIM 175100. Disease mechanism: loss of function.

Allele frequency attached by ClinVar (database versions not stated): TOPMed below 0.00001.
gnomAD v4.1: 1 of 1,613,932 alleles (0.000062%); no homozygotes.

Submissions (3):

Labcorp Genetics (formerly Invitae), Labcorp
Classification: Uncertain significance for Familial adenomatous polyposis 1. Last evaluated: 2024-02-24. Review status: criteria provided, single submitter. Criteria: Invitae Variant Classification Sherloc (09022015). Collection method: clinical testing. Allele origin: germline.
Comment: This sequence change replaces proline, which is neutral and non-polar, with serine, which is neutral and polar, at codon 1691 of the APC protein (p.Pro1691Ser). This variant is not present in population databases (gnomAD no frequency). This variant has not been reported in the literature in individuals affected with APC-related conditions. ClinVar contains an entry for this variant (Variation ID: 1018206). Advanced modeling of protein sequence and biophysical properties (such as structural, functional, and spatial information, amino acid conservation, physicochemical variation, residue mobility, and thermodynamic stability) performed at Invitae indicates that this missense variant is not expected to disrupt APC protein function with a negative predictive value of 95%. In summary, the available evidence is currently insufficient to determine the role of this variant in disease. Therefore, it has been classified as a Variant of Uncertain Significance.

Ambry Genetics
Classification: Uncertain significance for Hereditary cancer-predisposing syndrome. Last evaluated: 2023-06-24. Review status: criteria provided, single submitter. Criteria: Ambry Variant Classification Scheme 2023. Collection method: clinical testing. Allele origin: germline.
Comment: The p.P1691S variant (also known as c.5071C>T), located in coding exon 15 of the APC gene, results from a C to T substitution at nucleotide position 5071. The proline at codon 1691 is replaced by serine, an amino acid with similar properties. This amino acid position is conserved. In addition, in silico predictors for this gene do not accurately predict pathogenicity. Since supporting evidence is limited at this time, the clinical significance of this alteration remains unclear.

All of Us Research Program, National Institutes of Health
Classification: Uncertain significance for Classic or attenuated familial adenomatous polyposis. Last evaluated: 2023-05-16. Review status: criteria provided, single submitter. Criteria: ACMG Guidelines, 2015. Collection method: clinical testing. Allele origin: germline. Inheritance: Autosomal dominant inheritance. Observed: 1 variant allele, 1 heterozygote.
Comment: This missense variant replaces proline with serine at codon 1691 of the APC protein. Computational prediction suggests that this variant may not impact protein structure and function (internally defined REVEL score threshold <= 0.5, PMID: 27666373). To our knowledge, functional studies have not been reported for this variant. This variant has not been reported in individuals affected with APC-related disorders in the literature. This variant has not been identified in the general population by the Genome Aggregation Database (gnomAD). The available evidence is insufficient to determine the role of this variant in disease conclusively. Therefore, this variant is classified as a Variant of Uncertain Significance.

This study involves interpretation of variants in research participants for the purpose of population health screening. Participant phenotype was not available at the time of variant classification. Additional details can be found in publication PMID: 35346344, PMCID: PMC8962531

NM_000038.6(APC):c.5071C>T (p.Pro1691Ser)

Gene: APC (APC regulator of Wnt signaling pathway; plus strand). Cytogenetic location: 5q22.2.
Variant type: single nucleotide variant.
Coding change: c.5071C>T on transcript NM_000038.6 (MANE Select); coding-DNA position 5071, C replaced by T.
Protein change: p.Pro1691Ser; replaces proline 1691 with serine.
Molecular consequence: missense variant.
Genome position (GRCh38, 1-based): chr5:112,840,665, C>T. VCF-style: chr5-112840665-C-T. GRCh37 (hg19) VCF-style: chr5-112176362-C-T.
Other names: c.5071C>T (NM_000038.5); c.5071C>T, p.Pro1691Ser (NM_001127510.3, NM_001354895.2); c.5017C>T, p.Pro1673Ser (NM_001127511.3); c.5125C>T, p.Pro1709Ser (NM_001354896.2); c.5101C>T, p.Pro1701Ser (NM_001354897.2); c.4996C>T, p.Pro1666Ser (NM_001354898.2); c.4987C>T, p.Pro1663Ser (NM_001354899.2); c.4948C>T, p.Pro1650Ser (NM_001354900.2); and 6 more; short protein forms P1408S, P1531S, P1565S, P1590S, P1600S, P1632S, P1650S, P1663S.
Identifiers: ClinVar variation 1018206 (VCV001018206.50), dbSNP rs1064794106, ClinGen allele CA16032420.